The following is an entry in ClinVar:

ClinVar aggregate classification (germline): Benign/Likely benign. Review status: criteria provided, multiple submitters, no conflicts (2 of 4 stars). 2 submissions from 2 submitters: Benign (1); Likely benign (1). Last evaluated 2026-03-09.

Conditions:
REST-related disorder. Also called: REST-related condition.

Allele frequency attached by ClinVar (database versions not stated): gnomAD exomes 0.00005 and 0.00013; gnomAD 0.00007 and 0.00009; ExAC 0.00013; TOPMed 0.00013; 1000 Genomes Project 0.00020; 1000 Genomes Project 30x 0.00031.
gnomAD v4.1: 81 of 1,614,224 alleles (0.005%); highest among the groups gnomAD compares: South Asian, 0.049%; no homozygotes.

Submissions (2):

PreventionGenetics, part of Exact Sciences
Classification: Likely benign for REST-related condition. Last evaluated: 2026-03-09. Review status: criteria provided, single submitter. Criteria: ACMG Guidelines, 2015. Collection method: clinical testing. Allele origin: germline.
Comment: This variant is classified as likely benign based on ACMG/AMP sequence variant interpretation guidelines (Richards et al. 2015 PMID: 25741868, with internal and published modifications).

Labcorp Genetics (formerly Invitae), Labcorp
Classification: Benign. Last evaluated: 2024-08-15. Review status: criteria provided, single submitter. Criteria: Invitae Variant Classification Sherloc (09022015). Collection method: clinical testing. Allele origin: germline.

NM_005612.5(REST):c.495A>G (p.Gln165=)

Gene: REST (RE1 silencing transcription factor; plus strand). Cytogenetic location: 4q12.
Variant type: single nucleotide variant.
Coding change: c.495A>G on transcript NM_005612.5 (MANE Select); coding-DNA position 495, A replaced by G.
Protein change: p.Gln165=; no amino-acid change (glutamine 165 retained).
Molecular consequence: synonymous variant.
Genome position (GRCh38, 1-based): chr4:56,911,133, A>G. VCF-style: chr4-56911133-A-G. GRCh37 (hg19) VCF-style: chr4-57777299-A-G.
Other names: c.495A>G (NM_005612.4); c.495A>G, p.Gln165= (NM_001193508.2, NM_001363453.3).
Identifiers: ClinVar variation 1545014 (VCV001545014.9), dbSNP rs532451268, ClinGen allele CA2932112.